The following is an entry in ClinVar:

ClinVar aggregate classification (germline): Benign (1 of 4 stars; one submission).

Allele frequency attached by ClinVar (database versions not stated): gnomAD 0.05802; TOPMed 0.06357; 1000 Genomes Project 30x 0.09229; 1000 Genomes Project 0.09665.
gnomAD v4.1: 9,323 of 152,264 alleles (6.1%); highest among the groups gnomAD compares: East Asian, 15%; 336 homozygotes.

Submission:

GeneDx
Classification: Benign. Last evaluated: 2018-06-16. Review status: criteria provided, single submitter. Criteria: GeneDx Variant Classification (06012015). Collection method: clinical testing. Allele origin: germline. Affected: yes.
Comment: This variant is considered likely benign or benign based on one or more of the following criteria: it is a conservative change, it occurs at a poorly conserved position in the protein, it is predicted to be benign by multiple in silico algorithms, and/or has population frequency not consistent with disease.

NM_001105206.3(LAMA4):c.298-179C>A

Gene: LAMA4 (laminin subunit alpha 4; minus strand). Cytogenetic location: 6q21.
Variant type: single nucleotide variant.
Coding change: c.298-179C>A on transcript NM_001105206.3 (MANE Select); 179 bases into the intron before coding-DNA position 298, C replaced by A.
Molecular consequence: intron variant.
Genome position (GRCh38, 1-based): chr6:112,207,324, G>T on the plus strand (C>A on the coding strand, the complement: LAMA4 is on the minus strand). VCF-style: chr6-112207324-G-T. GRCh37 (hg19) VCF-style: chr6-112528525-G-T.
Other names: c.298-179C>A (NM_002290.5, NM_001105207.3).
Identifiers: ClinVar variation 674351 (VCV000674351.1), dbSNP rs2239850, ClinGen allele CA12333129.